The following is an entry in ClinVar:

ClinVar aggregate classification (germline): Likely benign. Review status: criteria provided, single submitter (1 of 4 stars). 2 submissions from 2 submitters: Likely benign (1). 1 of the submissions does not count toward it. Last evaluated 2025-02-26.

Conditions:
Frontotemporal dementia and/or amyotrophic lateral sclerosis 1 (FTDALS1). Also called: Frontotemporal dementia with motor neuron disease 1; C9orf72 Frontotemporal Dementia and/or Amyotrophic Lateral Sclerosis. Identifiers: Orphanet 275872, MedGen C5779877, MONDO:0007105, OMIM 105550.
Paget disease of bone 2, early-onset (PDB2). Also called: Paget disease of bone 2. Identifiers: MedGen C4085251, MONDO:0011183, OMIM 602080.
SQSTM1-related disorder. Also called: SQSTM1-Related Disorders.

Allele frequency attached by ClinVar (database versions not stated): gnomAD 0.00001; gnomAD exomes below 0.00001; ExAC 0.00001.

Submissions (2):

Labcorp Genetics (formerly Invitae), Labcorp
Classification: Likely benign for Paget disease of bone 2, early-onset; Frontotemporal dementia and/or amyotrophic lateral sclerosis 1. Last evaluated: 2025-02-26. Review status: criteria provided, single submitter. Criteria: Invitae Variant Classification Sherloc (09022015). Collection method: clinical testing. Allele origin: germline.

PreventionGenetics, part of Exact Sciences
Classification: Likely benign for SQSTM1-related condition. Last evaluated: 2023-12-29. Review status: no assertion criteria provided. Collection method: clinical testing. Allele origin: germline. Not counted in ClinVar's aggregate classification.
Comment: This variant is classified as likely benign based on ACMG/AMP sequence variant interpretation guidelines (Richards et al. 2015 PMID: 25741868, with internal and published modifications).

NM_003900.5(SQSTM1):c.674-7A>C

Gene: SQSTM1 (sequestosome 1; plus strand). Cytogenetic location: 5q35.3.
Variant type: single nucleotide variant.
Coding change: c.674-7A>C on transcript NM_003900.5 (MANE Select); 7 bases into the intron before coding-DNA position 674, A replaced by C.
Molecular consequence: intron variant.
Genome position (GRCh38, 1-based): chr5:179,825,139, A>C. VCF-style: chr5-179825139-A-C. GRCh37 (hg19) VCF-style: chr5-179252139-A-C.
Other names: c.422-7A>C (NM_001142298.2, NM_001142299.2).
Identifiers: ClinVar variation 733161 (VCV000733161.12), dbSNP rs776278684, ClinGen allele CA3600611.